The following is an entry in ClinVar:

NM_015158.5(KANK1):c.2947G>C (p.Gly983Arg)

Gene: KANK1 (KN motif and ankyrin repeat domains 1; plus strand). Cytogenetic location: 9p24.3.
Variant type: single nucleotide variant.
Coding change: c.2947G>C on transcript NM_015158.5 (MANE Select); coding-DNA position 2947, G replaced by C.
Protein change: p.Gly983Arg; replaces glycine 983 with arginine.
Molecular consequence: missense variant. On other transcripts: non-coding transcript variant (1).
Genome position (GRCh38, 1-based): chr9:731,208, G>C. VCF-style: chr9-731208-G-C. GRCh37 (hg19) VCF-style: chr9-731208-G-C.
Other names: c.2947G>C, p.Gly983Arg (NM_001256876.3, NM_001256877.3, NM_001354331.2 and 1 more transcripts); c.2893G>C, p.Gly965Arg (NM_001354332.2); c.2473G>C, p.Gly825Arg (NM_001354333.2, NM_001354335.2, NM_001354337.2 and 5 more transcripts); c.2419G>C, p.Gly807Arg (NM_001354336.2, NM_001354338.2, NM_001354340.2 and 1 more transcripts); short protein forms G965R, G807R, G983R, G825R.
Identifiers: ClinVar variation 1962281 (VCV001962281.5), dbSNP rs562561638, ClinGen allele CA4960699.

ClinVar aggregate classification (germline): Uncertain significance (1 of 4 stars; one submission).

Allele frequency attached by ClinVar (database versions not stated): gnomAD 0.00008; 1000 Genomes Project 0.00020; 1000 Genomes Project 30x 0.00031.
gnomAD v4.1: 28 of 1,612,254 alleles (0.0017%); highest among the groups gnomAD compares: Middle Eastern, 0.05%; no homozygotes.

Submission:

Labcorp Genetics (formerly Invitae), Labcorp
Classification: Uncertain significance. Last evaluated: 2024-09-05. Review status: criteria provided, single submitter. Criteria: Invitae Variant Classification Sherloc (09022015). Collection method: clinical testing. Allele origin: germline.
Comment: This sequence change replaces glycine, which is neutral and non-polar, with arginine, which is basic and polar, at codon 983 of the KANK1 protein (p.Gly983Arg). This variant is present in population databases (rs562561638, gnomAD 0.02%). This variant has not been reported in the literature in individuals affected with KANK1-related conditions. ClinVar contains an entry for this variant (Variation ID: 1962281). Invitae Evidence Modeling of protein sequence and biophysical properties (such as structural, functional, and spatial information, amino acid conservation, physicochemical variation, residue mobility, and thermodynamic stability) indicates that this missense variant is expected to disrupt KANK1 protein function with a positive predictive value of 80%. In summary, the available evidence is currently insufficient to determine the role of this variant in disease. Therefore, it has been classified as a Variant of Uncertain Significance.